The following is an entry in ClinVar:

ClinVar aggregate classification (germline): Pathogenic (1 of 4 stars; one submission).

Submission:

Labcorp Genetics (formerly Invitae), Labcorp
Classification: Pathogenic. Last evaluated: 2023-04-30. Review status: criteria provided, single submitter. Criteria: Invitae Variant Classification Sherloc (09022015). Collection method: clinical testing. Allele origin: germline.
Comment: This sequence change creates a premature translational stop signal (p.Tyr452Thrfs*2) in the EYS gene. It is expected to result in an absent or disrupted protein product. Loss-of-function variants in EYS are known to be pathogenic (PMID: 18836446, 20333770). This variant is not present in population databases (gnomAD no frequency). This variant has not been reported in the literature in individuals affected with EYS-related conditions. For these reasons, this variant has been classified as Pathogenic.

Literature cited by the submitters: PubMed 18836446; PubMed 20333770.

NM_001142800.2(EYS):c.1354del (p.Tyr452fs)

Gene: EYS (EGF-like photoreceptor maintenance factor; minus strand). Cytogenetic location: 6q12.
Variant type: Deletion.
Coding change: c.1354del on transcript NM_001142800.2 (MANE Select); coding-DNA position 1354, one base deleted (T; older notation c.1354delT).
Protein change: p.Tyr452fs; shifts the reading frame from tyrosine 452.
Molecular consequence: frameshift variant.
Genome position (GRCh38, 1-based): chr6:65,353,563, A deleted on the plus strand (T on the coding strand, the reverse complement: EYS is on the minus strand); the first of 3 consecutive A bases (chr6:65,353,563-65,353,565); deleting any one gives the same sequence. VCF-style (leftmost placement, unchanged base first): chr6-65353562-TA-T. GRCh37 (hg19) VCF-style: chr6-66063455-TA-T.
Other names: c.1354del, p.Tyr452fs (NM_198283.2, NM_001142801.2, NM_001292009.2); short protein forms Y452fs.
Identifiers: ClinVar variation 2877738 (VCV002877738.3), dbSNP rs2533203195, ClinGen allele CA2739273144.